The following is an entry in ClinVar:

ClinVar aggregate classification (germline): Uncertain significance (1 of 4 stars; one submission).

Allele frequency attached by ClinVar (database versions not stated): gnomAD exomes below 0.00001; ExAC 0.00001; gnomAD 0.00001; TOPMed 0.00001.
gnomAD v4.1: 5 of 1,608,134 alleles (0.00031%); highest among the groups gnomAD compares: African/African-American, 0.0027%; no homozygotes.

Submission:

Labcorp Genetics (formerly Invitae), Labcorp
Classification: Uncertain significance. Last evaluated: 2022-07-05. Review status: criteria provided, single submitter. Criteria: Invitae Variant Classification Sherloc (09022015). Collection method: clinical testing. Allele origin: germline.
Comment: This variant is present in population databases (rs751714499, gnomAD 0.007%). This sequence change replaces valine, which is neutral and non-polar, with isoleucine, which is neutral and non-polar, at codon 771 of the KCNH1 protein (p.Val771Ile). This variant has not been reported in the literature in individuals affected with KCNH1-related conditions. In summary, the available evidence is currently insufficient to determine the role of this variant in disease. Therefore, it has been classified as a Variant of Uncertain Significance. Advanced modeling of protein sequence and biophysical properties (such as structural, functional, and spatial information, amino acid conservation, physicochemical variation, residue mobility, and thermodynamic stability) performed at Invitae indicates that this missense variant is not expected to disrupt KCNH1 protein function.

NM_172362.3(KCNH1):c.2311G>A (p.Val771Ile)

Gene: KCNH1 (potassium voltage-gated channel subfamily H member 1; minus strand). Cytogenetic location: 1q32.2.
Variant type: single nucleotide variant.
Coding change: c.2311G>A on transcript NM_172362.3 (MANE Select); coding-DNA position 2311, G replaced by A.
Protein change: p.Val771Ile; replaces valine 771 with isoleucine.
Molecular consequence: missense variant.
Genome position (GRCh38, 1-based): chr1:210,683,940, C>T on the plus strand (G>A on the coding strand, the complement: KCNH1 is on the minus strand). VCF-style: chr1-210683940-C-T. GRCh37 (hg19) VCF-style: chr1-210857282-C-T.
Other names: c.2230G>A, p.Val744Ile (NM_002238.4); short protein forms V744I, V771I.
Identifiers: ClinVar variation 2083949 (VCV002083949.4), dbSNP rs751714499, ClinGen allele CA1379711.